The following is an entry in ClinVar:

NM_020843.4(SCAPER):c.3478A>G (p.Ile1160Val)

Gene: SCAPER (S-phase cyclin A associated protein in the ER; minus strand). Cytogenetic location: 15q24.3.
Variant type: single nucleotide variant.
Coding change: c.3478A>G on transcript NM_020843.4 (MANE Select); coding-DNA position 3478, A replaced by G.
Protein change: p.Ile1160Val; replaces isoleucine 1160 with valine.
Molecular consequence: missense variant. On other transcripts: non-coding transcript variant (1).
Genome position (GRCh38, 1-based): chr15:76,381,605, T>C on the plus strand (A>G on the coding strand, the complement: SCAPER is on the minus strand). VCF-style: chr15-76381605-T-C. GRCh37 (hg19) VCF-style: chr15-76673946-T-C.
Other names: c.2740A>G, p.Ile914Val (NM_001145923.2); c.3496A>G, p.Ile1166Val (NM_001353009.2); c.3076A>G, p.Ile1026Val (NM_001353010.2, NM_001353012.2); c.3094A>G, p.Ile1032Val (NM_001353011.2); short protein forms I1026V, I1032V, I914V, I1166V, I1160V.
Identifiers: ClinVar variation 5001759 (VCV005001759.1).

ClinVar aggregate classification (germline): Uncertain significance (1 of 4 stars; one submission).

Conditions:
SCAPER-related disorder. Also called: SCAPER-related condition.

gnomAD v4.1: 3 of 1,589,678 alleles (0.00019%); highest among the groups gnomAD compares: South Asian, 0.0011%; no homozygotes.

Submission:

PreventionGenetics, part of Exact Sciences
Classification: Uncertain significance for SCAPER-related condition. Last evaluated: 2025-02-07. Review status: criteria provided, single submitter. Criteria: ACMG Guidelines, 2015. Collection method: clinical testing. Allele origin: germline.
Comment: The SCAPER c.3496A>G variant is predicted to result in the amino acid substitution p.Ile1166Val. To our knowledge, this variant has not been reported in the literature. This variant is absent from population databases. At this time, the clinical significance of this variant is uncertain due to the absence of conclusive functional and genetic evidence.